The following is an entry in ClinVar:

NM_000038.6(APC):c.1283_1293del (p.Glu428fs)

Gene: APC (APC regulator of Wnt signaling pathway; plus strand). Cytogenetic location: 5q22.2.
Variant type: Deletion.
Coding change: c.1283_1293del on transcript NM_000038.6 (MANE Select); coding-DNA positions 1283 to 1293, 11 bases deleted (AACCAGGCATG).
Protein change: p.Glu428fs; shifts the reading frame from glutamic acid 428.
Molecular consequence: frameshift variant.
Genome position (GRCh38, 1-based): chr5:112,819,315-112,819,325, AACCAGGCATG deleted; deleting any 11 consecutive bases within chr5:112,819,311-112,819,325 gives the same sequence; the c. name uses the placement nearest the transcript's 3' end. VCF-style (leftmost placement, unchanged base first): chr5-112819310-TCATGAACCAGG-T. GRCh37 (hg19) VCF-style: chr5-112155007-TCATGAACCAGG-T.
Other names: c.1283_1293del, p.Glu428fs (NM_001127510.3, NM_001354895.2, NM_001354896.2); c.1229_1239del, p.Glu410fs (NM_001127511.3); c.1313_1323del, p.Glu438fs (NM_001354897.2); c.1208_1218del, p.Glu403fs (NM_001354898.2); c.1199_1209del, p.Glu400fs (NM_001354899.2); c.1106_1116del, p.Glu369fs (NM_001354900.2, NM_001354901.2); c.1010_1020del, p.Glu337fs (NM_001354902.2); c.980_990del, p.Glu327fs (NM_001354903.2); and 3 more; short protein forms E145fs, E400fs, E428fs, E302fs, E327fs, E337fs, E369fs, E410fs.
Identifiers: ClinVar variation 818790 (VCV000818790.4), dbSNP rs1580531483, ClinGen allele CA658760572.

ClinVar aggregate classification (germline): Pathogenic (1 of 4 stars; one submission).

Conditions:
Hereditary cancer-predisposing syndrome. Also called: Tumor predisposition; Hereditary neoplastic syndrome; Neoplastic Syndromes, Hereditary; Hereditary Cancer Syndrome. Identifiers: Orphanet 140162, MedGen C0027672, MeSH D009386, MONDO:0015356.

Submission:

Ambry Genetics
Classification: Pathogenic for Hereditary cancer-predisposing syndrome. Last evaluated: 2018-06-06. Review status: criteria provided, single submitter. Criteria: Ambry Variant Classification Scheme 2023. Collection method: clinical testing. Allele origin: germline.
Comment: The c.1283_1293del11 pathogenic mutation, located in coding exon 9 of the APC gene, results from a deletion of 11 nucleotides at nucleotide positions 1283 to 1293, causing a translational frameshift with a predicted alternate stop codon (p.E428Gfs*12). This alteration has been previously reported in Israeli and French polyposis cohorts (Lagarde A et al. J. Med. Genet., 2010 Oct;47:721-2; Gavert N et al. Hum. Mutat., 2002 Jun;19:664). This alteration is expected to result in loss of function by premature protein truncation or nonsense-mediated mRNA decay. As such, this alteration is interpreted as a disease-causing mutation.

Literature cited by the submitters: PubMed 12007223; PubMed 20685668.